The following is an entry in ClinVar:

ClinVar aggregate classification (germline): Uncertain significance (1 of 4 stars; one submission).

Conditions:
Dyskeratosis congenita, autosomal dominant 6 (DKCA6). Identifiers: Orphanet 3322, MedGen C4225284, MONDO:0014690, OMIM 616553.

gnomAD v4.1: 10 of 1,603,038 alleles (0.00062%); highest among the groups gnomAD compares: Non-Finnish European, 0.00085%; no homozygotes.

Submission:

Labcorp Genetics (formerly Invitae), Labcorp
Classification: Uncertain significance for Dyskeratosis congenita, autosomal dominant 6. Last evaluated: 2025-11-15. Review status: criteria provided, single submitter. Criteria: Invitae Variant Classification Sherloc (09022015). Collection method: clinical testing. Allele origin: germline.
Comment: This sequence change falls in intron 2 of the ACD gene. It does not directly change the encoded amino acid sequence of the ACD protein. It affects a nucleotide within the consensus splice site. This variant is not present in population databases (gnomAD no frequency). This variant has not been reported in the literature in individuals affected with ACD-related conditions. Variants that disrupt the consensus splice site are a relatively common cause of aberrant splicing (PMID: 17576681, 9536098). Algorithms developed to predict the effect of sequence changes on RNA splicing suggest that this variant is not likely to affect RNA splicing. In summary, the available evidence is currently insufficient to determine the role of this variant in disease. Therefore, it has been classified as a Variant of Uncertain Significance.

Literature cited by the submitters: PubMed 17576681; PubMed 9536098.

NM_001082486.2(ACD):c.243-3C>T

Gene: ACD (ACD shelterin complex subunit and telomerase recruitment factor; minus strand). Cytogenetic location: 16q22.1.
Variant type: single nucleotide variant.
Coding change: c.243-3C>T on transcript NM_001082486.2 (MANE Select); 3 bases into the intron before coding-DNA position 243, C replaced by T.
Molecular consequence: intron variant.
Genome position (GRCh38, 1-based): chr16:67,659,798, G>A on the plus strand (C>T on the coding strand, the complement: ACD is on the minus strand). VCF-style: chr16-67659798-G-A. GRCh37 (hg19) VCF-style: chr16-67693701-G-A.
Other names: c.234-3C>T (NM_022914.3); c.243-3C>T (NM_001410884.1).
Identifiers: ClinVar variation 4695832 (VCV004695832.1).